The following is an entry in ClinVar:

NM_007254.4(PNKP):c.335C>G (p.Pro112Arg)

Gene: PNKP (polynucleotide kinase 3'-phosphatase; minus strand). Cytogenetic location: 19q13.33.
Variant type: single nucleotide variant.
Coding change: c.335C>G on transcript NM_007254.4 (MANE Select); coding-DNA position 335, C replaced by G.
Protein change: p.Pro112Arg; replaces proline 112 with arginine.
Molecular consequence: missense variant.
Genome position (GRCh38, 1-based): chr19:49,865,290, G>C on the plus strand (C>G on the coding strand, the complement: PNKP is on the minus strand). VCF-style: chr19-49865290-G-C. GRCh37 (hg19) VCF-style: chr19-50368547-G-C.
Other names: short protein forms P112R.
Identifiers: ClinVar variation 538894 (VCV000538894.43), dbSNP rs567905136, ClinGen allele CA9586969.

ClinVar aggregate classification (germline): Uncertain significance. Review status: criteria provided, multiple submitters, no conflicts (2 of 4 stars). 4 submissions from 4 submitters: Uncertain significance (4). Last evaluated 2024-03-19.

Conditions:
Developmental and epileptic encephalopathy, 12 (DEE12). Identifiers: MedGen C3150988, MONDO:0013389, OMIM 613722.

Allele frequency attached by ClinVar (database versions not stated): TOPMed 0.00002; gnomAD 0.00006 and 0.00007; gnomAD exomes 0.00010; ExAC 0.00012; 1000 Genomes Project 30x 0.00047; 1000 Genomes Project 0.00060.
gnomAD v4.1: 42 of 1,614,228 alleles (0.0026%); highest among the groups gnomAD compares: East Asian, 0.076%; no homozygotes.

Submissions (4):

Blueprint Genetics
Classification: Uncertain significance. Last evaluated: 2024-03-19. Review status: criteria provided, single submitter. Criteria: ACMG Guidelines, 2015. Collection method: clinical testing. Allele origin: germline.

Labcorp Genetics (formerly Invitae), Labcorp
Classification: Uncertain significance for Developmental and epileptic encephalopathy, 12. Last evaluated: 2022-08-23. Review status: criteria provided, single submitter. Criteria: Invitae Variant Classification Sherloc (09022015). Collection method: clinical testing. Allele origin: germline.
Comment: This sequence change replaces proline, which is neutral and non-polar, with arginine, which is basic and polar, at codon 112 of the PNKP protein (p.Pro112Arg). This variant is present in population databases (rs567905136, gnomAD 0.1%). This variant has not been reported in the literature in individuals affected with PNKP-related conditions. ClinVar contains an entry for this variant (Variation ID: 538894). Algorithms developed to predict the effect of missense changes on protein structure and function are either unavailable or do not agree on the potential impact of this missense change (SIFT: "Deleterious"; PolyPhen-2: "Benign"; Align-GVGD: "Class C0"). In summary, the available evidence is currently insufficient to determine the role of this variant in disease. Therefore, it has been classified as a Variant of Uncertain Significance.

CeGaT Center for Human Genetics Tuebingen
Classification: Uncertain significance. Last evaluated: 2021-06-01. Review status: criteria provided, single submitter. Criteria: CeGaT Center For Human Genetics Tuebingen Variant Classification Criteria Version 2. Collection method: clinical testing. Allele origin: germline. Affected: yes. Observed: 1 variant allele.

GeneDx
Classification: Uncertain significance. Last evaluated: 2020-08-10. Review status: criteria provided, single submitter. Criteria: GeneDx Variant Classification Process June 2021. Collection method: clinical testing. Allele origin: germline. Affected: yes.
Comment: In silico analysis supports that this missense variant does not alter protein structure/function; Has not been previously published as pathogenic or benign to our knowledge